The following is an entry in ClinVar:

NM_021629.4(GNB4):c.265A>G (p.Lys89Glu)

Gene: GNB4 (G protein subunit beta 4; minus strand). Cytogenetic location: 3q26.33.
Variant type: single nucleotide variant.
Coding change: c.265A>G on transcript NM_021629.4 (MANE Select); coding-DNA position 265, A replaced by G.
Protein change: p.Lys89Glu; replaces lysine 89 with glutamic acid.
Molecular consequence: missense variant.
Genome position (GRCh38, 1-based): chr3:179,416,495, T>C on the plus strand (A>G on the coding strand, the complement: GNB4 is on the minus strand). VCF-style: chr3-179416495-T-C. GRCh37 (hg19) VCF-style: chr3-179134283-T-C.
Other names: short protein forms K89E.
Identifiers: ClinVar variation 41941 (VCV000041941.11), dbSNP rs387907341, ClinGen allele CA130934.

ClinVar aggregate classification (germline): Pathogenic. Review status: criteria provided, single submitter (1 of 4 stars). 2 submissions from 2 submitters: Pathogenic (1). 1 of the submissions does not count toward it. Last evaluated 2025-01-29.

Conditions:
Charcot-Marie-Tooth disease dominant intermediate F. Identifiers: Orphanet 352670, MedGen C4749463, MONDO:0014074, OMIM 615185.

Submissions (2):

Labcorp Genetics (formerly Invitae), Labcorp
Classification: Pathogenic for Charcot-Marie-Tooth disease dominant intermediate F. Last evaluated: 2025-01-29. Review status: criteria provided, single submitter. Criteria: Invitae Variant Classification Sherloc (09022015). Collection method: clinical testing. Allele origin: germline.
Comment: This sequence change replaces lysine, which is basic and polar, with glutamic acid, which is acidic and polar, at codon 89 of the GNB4 protein (p.Lys89Glu). This variant is not present in population databases (gnomAD no frequency). This missense change has been observed in individual(s) with Charcot-Marie-Tooth disease (PMID: 23434117, 31211173, 34071515). In at least one individual the variant was observed to be de novo. ClinVar contains an entry for this variant (Variation ID: 41941). Invitae Evidence Modeling of protein sequence and biophysical properties (such as structural, functional, and spatial information, amino acid conservation, physicochemical variation, residue mobility, and thermodynamic stability) has been performed for this missense variant. However, the output from this modeling did not meet the statistical confidence thresholds required to predict the impact of this variant on GNB4 protein function. Experimental studies have shown that this missense change affects GNB4 function (PMID: 23434117). For these reasons, this variant has been classified as Pathogenic.

OMIM
Classification: Pathogenic for CHARCOT-MARIE-TOOTH DISEASE, DOMINANT INTERMEDIATE F. Last evaluated: 2013-03-07. Review status: no assertion criteria provided. Collection method: literature only. Allele origin: germline. Not counted in ClinVar's aggregate classification.

Literature cited by the submitters: PubMed 23434117 (cited by Labcorp Genetics (formerly Invitae), Labcorp and OMIM); PubMed 31211173 (cited by Labcorp Genetics (formerly Invitae), Labcorp); PubMed 34071515 (cited by Labcorp Genetics (formerly Invitae), Labcorp).